The following is an entry in ClinVar:

NM_004006.3(DMD):c.4335T>A (p.Asp1445Glu)

Gene: DMD (dystrophin; minus strand). Cytogenetic location: Xp21.1.
Variant type: single nucleotide variant.
Coding change: c.4335T>A on transcript NM_004006.3 (MANE Select); coding-DNA position 4335, T replaced by A.
Protein change: p.Asp1445Glu; replaces aspartic acid 1445 with glutamic acid.
Molecular consequence: missense variant.
Genome position (GRCh38, 1-based): chrX:32,390,080, A>T on the plus strand (T>A on the coding strand, the complement: DMD is on the minus strand). VCF-style: chrX-32390080-A-T. GRCh37 (hg19) VCF-style: chrX-32408197-A-T.
Other names: c.4311T>A, p.Asp1437Glu (NM_000109.4); c.4323T>A, p.Asp1441Glu (NM_004009.3); c.3966T>A, p.Asp1322Glu (NM_004010.3); c.312T>A, p.Asp104Glu (NM_004011.4); c.303T>A, p.Asp101Glu (NM_004012.4); short protein forms D104E, D1322E, D1437E, D101E, D1441E, D1445E.
Identifiers: ClinVar variation 3703292 (VCV003703292.2).
Genomic context (GRCh38, chrX:32,390,080, plus strand): 5'-AGTATAATGCCCAACGAAAACACGTTCCTTAGTTTCTGAAATAACATATACCTGTGCAAC[A>T]TCAATCTGAGACAGGACTCTTTGGGCAGCCTCCTTCCCCTGATTATGTTTCTTCATTTCT-3'
Protein context (NP_003997.2, residues 1435-1455): EAAQRVLSQI[Asp1445Glu]VAQKKLQDVS

ClinVar aggregate classification (germline): Conflicting classifications of pathogenicity. Review status: criteria provided, conflicting classifications (1 of 4 stars). 2 submissions from 2 submitters: Uncertain significance (1); Likely benign (1). Last evaluated 2026-05-07.

Conditions:
Duchenne muscular dystrophy (DMD). Also called: MUSCULAR DYSTROPHY, PSEUDOHYPERTROPHIC PROGRESSIVE, DUCHENNE TYPE; Duchenne Muscular Dystrophy (DMD). Identifiers: Orphanet 98896, MedGen C0013264, MONDO:0010679, OMIM 310200.
Cardiovascular phenotype. Identifiers: MedGen CN230736.

gnomAD v4.1: 2 of 1,203,700 alleles (0.00017%); highest among the groups gnomAD compares: Non-Finnish European, 0.00022%; no homozygotes.

Submissions (2):

Ambry Genetics
Classification: Likely benign for Cardiovascular phenotype. Last evaluated: 2026-05-07. Review status: criteria provided, single submitter. Criteria: Ambry Variant Classification Scheme 2023. Collection method: clinical testing. Allele origin: germline.

Labcorp Genetics (formerly Invitae), Labcorp
Classification: Uncertain significance for Duchenne muscular dystrophy. Last evaluated: 2025-01-14. Review status: criteria provided, single submitter. Criteria: Invitae Variant Classification Sherloc (09022015). Collection method: clinical testing. Allele origin: germline.
Comment: This sequence change replaces aspartic acid, which is acidic and polar, with glutamic acid, which is acidic and polar, at codon 1445 of the DMD protein (p.Asp1445Glu). This variant is present in population databases (no rsID available, gnomAD 0.001%). This variant has not been reported in the literature in individuals affected with DMD-related conditions. Invitae Evidence Modeling of protein sequence and biophysical properties (such as structural, functional, and spatial information, amino acid conservation, physicochemical variation, residue mobility, and thermodynamic stability) indicates that this missense variant is not expected to disrupt DMD protein function with a negative predictive value of 95%. In summary, the available evidence is currently insufficient to determine the role of this variant in disease. Therefore, it has been classified as a Variant of Uncertain Significance.